The following is an entry in ClinVar:

ClinVar aggregate classification (germline): Uncertain significance (1 of 4 stars; one submission).

Submission:

GeneDx
Classification: Uncertain significance. Last evaluated: 2025-01-03. Review status: criteria provided, single submitter. Criteria: GeneDx Variant Classification Process June 2021. Collection method: clinical testing. Allele origin: germline. Affected: yes.
Comment: Not observed at significant frequency in large population cohorts (gnomAD); In silico analysis indicates that this missense variant does not alter protein structure/function; Has not been previously published as pathogenic or benign to our knowledge

NM_001278064.2(GRM1):c.2198T>C (p.Ile733Thr)

Gene: GRM1 (glutamate metabotropic receptor 1; plus strand). Cytogenetic location: 6q24.3.
Variant type: single nucleotide variant.
Coding change: c.2198T>C on transcript NM_001278064.2 (MANE Select); coding-DNA position 2198, T replaced by C.
Protein change: p.Ile733Thr; replaces isoleucine 733 with threonine.
Molecular consequence: missense variant.
Genome position (GRCh38, 1-based): chr6:146,399,237, T>C. VCF-style: chr6-146399237-T-C. GRCh37 (hg19) VCF-style: chr6-146720373-T-C.
Other names: c.2198T>C, p.Ile733Thr (NM_001278065.2, NM_001278066.1, NM_001278067.1); short protein forms I733T.
Identifiers: ClinVar variation 4055836 (VCV004055836.1).